The following is an entry in ClinVar:

ClinVar aggregate classification (germline): Uncertain significance (1 of 4 stars; one submission).

Conditions:
Aicardi-Goutieres syndrome 6 (AGS6). Identifiers: Orphanet 51, MedGen C3539013, MONDO:0014007, OMIM 615010.
Symmetrical dyschromatosis of extremities (DSH). Also called: DYSCHROMATOSIS SYMMETRICA HEREDITARIA 1; RETICULATE ACROPIGMENTATION OF DOHI; SYMMETRIC DYSCHROMATOSIS OF THE EXTREMITIES; Dyschromatosis symmetrica hereditaria. Identifiers: Orphanet 41, MedGen C0406775, MONDO:0007483, OMIM 127400.

Allele frequency attached by ClinVar (database versions not stated): gnomAD exomes below 0.00001; TOPMed below 0.00001.

Submission:

Labcorp Genetics (formerly Invitae), Labcorp
Classification: Uncertain significance for Aicardi-Goutieres syndrome 6; Symmetrical dyschromatosis of extremities. Last evaluated: 2024-05-15. Review status: criteria provided, single submitter. Criteria: Invitae Variant Classification Sherloc (09022015). Collection method: clinical testing. Allele origin: germline.
Comment: This sequence change replaces glutamic acid, which is acidic and polar, with glutamine, which is neutral and polar, at codon 695 of the ADAR protein (p.Glu695Gln). This variant is present in population databases (no rsID available, gnomAD 0.003%). This variant has not been reported in the literature in individuals affected with ADAR-related conditions. ClinVar contains an entry for this variant (Variation ID: 1516648). Advanced modeling of protein sequence and biophysical properties (such as structural, functional, and spatial information, amino acid conservation, physicochemical variation, residue mobility, and thermodynamic stability) performed at Invitae indicates that this missense variant is not expected to disrupt ADAR protein function with a negative predictive value of 80%. In summary, the available evidence is currently insufficient to determine the role of this variant in disease. Therefore, it has been classified as a Variant of Uncertain Significance.

NM_001111.5(ADAR):c.2083G>C (p.Glu695Gln)

Gene: ADAR (adenosine deaminase RNA specific; minus strand). Cytogenetic location: 1q21.3.
Variant type: single nucleotide variant.
Coding change: c.2083G>C on transcript NM_001111.5 (MANE Select); coding-DNA position 2083, G replaced by C.
Protein change: p.Glu695Gln; replaces glutamic acid 695 with glutamine.
Molecular consequence: missense variant. On other transcripts: intron variant (1).
Genome position (GRCh38, 1-based): chr1:154,596,992, C>G on the plus strand (G>C on the coding strand, the complement: ADAR is on the minus strand). VCF-style: chr1-154596992-C-G. GRCh37 (hg19) VCF-style: chr1-154569468-C-G.
Other names: c.1198G>C, p.Glu400Gln (NM_001025107.3, NM_001193495.2, NM_001365046.1 and 3 more transcripts); c.2110G>C, p.Glu704Gln (NM_001365045.1); c.2083G>C, p.Glu695Gln (NM_015840.4); c.2080-54G>C (NM_015841.4); short protein forms E400Q, E704Q, E695Q.
Identifiers: ClinVar variation 1516648 (VCV001516648.6), dbSNP rs1329989151, ClinGen allele CA342638056.